The following is an entry in ClinVar:

NM_000360.4(TH):c.1200+9C>T

Gene: TH (tyrosine hydroxylase; minus strand). Cytogenetic location: 11p15.5.
Variant type: single nucleotide variant.
Coding change: c.1200+9C>T on transcript NM_000360.4 (MANE Select); 9 bases into the intron after coding-DNA position 1200, C replaced by T.
Molecular consequence: intron variant.
Genome position (GRCh38, 1-based): chr11:2,165,659, G>A on the plus strand (C>T on the coding strand, the complement: TH is on the minus strand). VCF-style: chr11-2165659-G-A. GRCh37 (hg19) VCF-style: chr11-2186889-G-A.
Other names: p.?; c.1281+9C>T (NM_199293.3); c.1293+9C>T (NM_199292.3).
Identifiers: ClinVar variation 263251 (VCV000263251.25), dbSNP rs11564717, ClinGen allele CA5818348.
Genomic context (GRCh38, chr11:2,165,659, plus strand): 5'-TGTCCCCTCCCTGCACCGTCCCCCAGCCCTGCCCCTCTGCTGGGGGCTGCAGCAAGGAGA[G>A]ACTCTCACCAGGAGCTCCCCGTAGGAGGACAGCAGCCCGGCACCATAGGCCTTCACCTCC-3'

ClinVar aggregate classification (germline): Conflicting classifications of pathogenicity. Review status: criteria provided, conflicting classifications (1 of 4 stars). 11 submissions from 11 submitters: Uncertain significance (1); Benign (6); Likely benign (1). 3 of the submissions do not count toward it. Last evaluated 2026-02-04.

Conditions:
TH-deficient dopa-responsive dystonia. Also called: DYT-TH; Segawa syndrome, autosomal recessive; Tyrosine Hydroxylase-Deficient Dopa-Responsive Dystonia. Identifiers: Orphanet 101150, MedGen C2673535, MONDO:0011551, OMIM 605407.
Generalized dystonia. Also called: Generalized isolated dystonia. Identifiers: Orphanet 376724, MedGen C1848954, MONDO:0000476, HP:0007325.

Allele frequency attached by ClinVar (database versions not stated): 1000 Genomes Project 30x 0.00500; 1000 Genomes Project 0.00539; ESP Exome Variant Server 0.01216; gnomAD 0.00997 and 0.01045; ExAC 0.01043; TOPMed 0.01097.
gnomAD v4.1: 22,797 of 1,612,402 alleles (1.4%); highest among the groups gnomAD compares: Non-Finnish European, 1.8%; 208 homozygotes.

Submissions (11):

Labcorp Genetics (formerly Invitae), Labcorp
Classification: Benign for TH-deficient dopa-responsive dystonia. Last evaluated: 2026-02-04. Review status: criteria provided, single submitter. Criteria: Invitae Variant Classification Sherloc (09022015). Collection method: clinical testing. Allele origin: germline.

Athena Diagnostics
Classification: Benign. Last evaluated: 2025-04-25. Review status: criteria provided, single submitter. Criteria: Athena Diagnostics Criteria. Collection method: clinical testing. Allele origin: unknown.
Comment: The frequency of this variant in the general population is higher than would generally be expected for pathogenic variants in this gene.

Mayo Clinic Laboratories, Mayo Clinic
Classification: Benign. Last evaluated: 2023-03-27. Review status: criteria provided, single submitter. Criteria: ACMG Guidelines, 2015. Collection method: clinical testing. Allele origin: germline. Observed: 23 variant alleles.
Comment: BS1, BS2, BP4, BP7

Illumina Laboratory Services, Illumina
Classification: Benign for TH-deficient dopa-responsive dystonia. Last evaluated: 2018-01-13. Review status: criteria provided, single submitter. Criteria: ICSL Variant Classification Criteria 13 December 2019. Collection method: clinical testing. Allele origin: germline.
Comment: This variant was observed in the ICSL laboratory as part of a predisposition screen in an ostensibly healthy population. It had not been previously curated by ICSL or reported in the Human Gene Mutation Database (HGMD: prior to June 1st, 2018), and was therefore a candidate for classification through an automated scoring system. Utilizing variant allele frequency, disease prevalence and penetrance estimates, and inheritance mode, an automated score was calculated to assess if this variant is too frequent to cause the disease. Based on the score and internal cut-off values, a variant classified as benign is not then subjected to further curation. The score for this variant resulted in a classification of benign for this disease.

GeneDx
Classification: Benign. Last evaluated: 2017-08-03. Review status: criteria provided, single submitter. Criteria: GeneDx Variant Classification (06012015). Collection method: clinical testing. Allele origin: germline. Affected: yes.
Comment: This variant is considered likely benign or benign based on one or more of the following criteria: it is a conservative change, it occurs at a poorly conserved position in the protein, it is predicted to be benign by multiple in silico algorithms, and/or has population frequency not consistent with disease.

Clinical Genetics DNA and cytogenetics Diagnostics Lab, Erasmus MC, Erasmus Medical Center
Classification: Likely benign for TH-deficient dopa-responsive dystonia. Last evaluated: 2015-09-21. Review status: criteria provided, single submitter. Criteria: ACGS Guidelines, 2013. Collection method: clinical testing. Allele origin: germline. Affected: yes. Study: VKGL Data-share Consensus.

Clinical Genomics, Uppaluri K&H Personalized Medicine Clinic
Classification: Uncertain significance for Generalized dystonia. Review status: criteria provided, single submitter. Criteria: K & H Uppaluri Personalized Medicine Clinic Variant Classification & Assertion Criteria_Updated V.1. Collection method: research. Allele origin: unknown. Inheritance: Autosomal dominant inheritance.
Comment: TH gene mutations are associated with dystonias. However, more studies are required to ascertain the role of this particular variant (rs11564717) in triggering dystonia.

PreventionGenetics, part of Exact Sciences
Classification: Benign. Review status: criteria provided, single submitter. Criteria: ACMG Guidelines, 2015. Collection method: clinical testing. Allele origin: germline.

Natera, Inc.
Classification: Benign for Autosomal recessive Segawa syndrome. Last evaluated: 2020-09-16. Review status: no assertion criteria provided. Collection method: clinical testing. Allele origin: germline. Not counted in ClinVar's aggregate classification.

Genome Diagnostics Laboratory, Amsterdam University Medical Center
Classification: Likely benign for TH-deficient dopa-responsive dystonia. Last evaluated: 2016-04-19. Review status: no assertion criteria provided. Criteria: ACGS Guidelines, 2013. Collection method: clinical testing. Allele origin: germline. Affected: yes. Study: VKGL Data-share Consensus. Not counted in ClinVar's aggregate classification.

Laboratory of Diagnostic Genome Analysis, Leiden University Medical Center (LUMC)
Classification: Likely benign. Review status: no assertion criteria provided. Collection method: clinical testing. Allele origin: germline. Affected: yes. Study: VKGL Data-share Consensus. Not counted in ClinVar's aggregate classification.

Literature cited by the submitters: PubMed 24275212 (cited by Athena Diagnostics); PubMed 30455893 (cited by Athena Diagnostics); PubMed 22572540 (cited by Athena Diagnostics); PubMed 35083481 (cited by Clinical Genomics, Uppaluri K&H Personalized Medicine Clinic).